The following is an entry in ClinVar:

NM_182914.3(SYNE2):c.14812A>G (p.Arg4938Gly)

Gene: SYNE2 (spectrin repeat containing nuclear envelope protein 2; plus strand). Cytogenetic location: 14q23.2.
Variant type: single nucleotide variant.
Coding change: c.14812A>G on transcript NM_182914.3 (MANE Select); coding-DNA position 14812, A replaced by G.
Protein change: p.Arg4938Gly; replaces arginine 4938 with glycine.
Molecular consequence: missense variant.
Genome position (GRCh38, 1-based): chr14:64,137,952, A>G. VCF-style: chr14-64137952-A-G. GRCh37 (hg19) VCF-style: chr14-64604670-A-G.
Other names: c.14812A>G, p.Arg4938Gly (NM_015180.6); short protein forms R4938G.
Identifiers: ClinVar variation 538315 (VCV000538315.8), dbSNP rs1258752132, ClinGen allele CA389937866.

ClinVar aggregate classification (germline): Uncertain significance (1 of 4 stars; one submission).

Conditions:
Emery-Dreifuss muscular dystrophy 5, autosomal dominant (EDMD5). Also called: EMERY-DREIFUSS MUSCULAR DYSTROPHY 5. Identifiers: Orphanet 261, MedGen C2751805, MONDO:0013072, OMIM 612999.

Allele frequency attached by ClinVar (database versions not stated): gnomAD exomes below 0.00001 and 0.00001.
gnomAD v4.1: 3 of 1,614,058 alleles (0.00019%); highest among the groups gnomAD compares: Non-Finnish European, 0.00025%; no homozygotes.

Submission:

Labcorp Genetics (formerly Invitae), Labcorp
Classification: Uncertain significance for Emery-Dreifuss muscular dystrophy 5, autosomal dominant. Last evaluated: 2017-09-27. Review status: criteria provided, single submitter. Criteria: Invitae Variant Classification Sherloc (09022015). Collection method: clinical testing. Allele origin: germline.
Comment: In summary, the available evidence is currently insufficient to determine the role of this variant in disease. Therefore, it has been classified as a Variant of Uncertain Significance. Algorithms developed to predict the effect of missense changes on protein structure and function do not agree on the potential impact of this missense change (SIFT: "Deleterious"; PolyPhen-2: "Probably Damaging"; Align-GVGD: "Class C0"). This variant has not been reported in the literature in individuals with SYNE2-related disease. This variant is not present in population databases (ExAC no frequency). This sequence change replaces arginine with glycine at codon 4938 of the SYNE2 protein (p.Arg4938Gly). The arginine residue is moderately conserved and there is a moderate physicochemical difference between arginine and glycine.